The following is an entry in ClinVar:

NM_004360.5(CDH1):c.389C>T (p.Ala130Val)

Gene: CDH1 (cadherin 1; plus strand). Cytogenetic location: 16q22.1.
Variant type: single nucleotide variant.
Coding change: c.389C>T on transcript NM_004360.5 (MANE Select); coding-DNA position 389, C replaced by T.
Protein change: p.Ala130Val; replaces alanine 130 with valine.
Molecular consequence: missense variant. On other transcripts: 5 prime UTR variant (2).
Genome position (GRCh38, 1-based): chr16:68,808,425, C>T. VCF-style: chr16-68808425-C-T. GRCh37 (hg19) VCF-style: chr16-68842328-C-T.
Other names: c.389C>T, p.Ala130Val (NM_001317184.2); c.-1227C>T (NM_001317185.2); c.-1431C>T (NM_001317186.2); short protein forms A130V.
Identifiers: ClinVar variation 921657 (VCV000921657.8), dbSNP rs1960723934, ClinGen allele CA396457523.

ClinVar aggregate classification (germline): Uncertain significance. Review status: criteria provided, multiple submitters, no conflicts (2 of 4 stars). 2 submissions from 2 submitters: Uncertain significance (2). Last evaluated 2022-08-07.

Conditions:
Hereditary cancer-predisposing syndrome. Also called: Hereditary Cancer Syndrome; Hereditary neoplastic syndrome; Neoplastic Syndromes, Hereditary; Tumor predisposition. Identifiers: Orphanet 140162, MedGen C0027672, MeSH D009386, MONDO:0015356.
Hereditary diffuse gastric adenocarcinoma (HDGC). Also called: DIFFUSE GASTRIC AND LOBULAR BREAST CANCER SYNDROME. Identifiers: Orphanet 26106, MedGen C1708349, MONDO:0007648, OMIM 137215.

Allele frequency attached by ClinVar (database versions not stated): gnomAD exomes below 0.00001.
gnomAD v4.1: 1 of 1,614,142 alleles (0.000062%); highest among the groups gnomAD compares: South Asian, 0.0011%; no homozygotes.

Submissions (2):

Labcorp Genetics (formerly Invitae), Labcorp
Classification: Uncertain significance for Hereditary diffuse gastric adenocarcinoma. Last evaluated: 2022-08-07. Review status: criteria provided, single submitter. Criteria: Invitae Variant Classification Sherloc (09022015). Collection method: clinical testing. Allele origin: germline.
Comment: In summary, the available evidence is currently insufficient to determine the role of this variant in disease. Therefore, it has been classified as a Variant of Uncertain Significance. Algorithms developed to predict the effect of missense changes on protein structure and function (SIFT, PolyPhen-2, Align-GVGD) all suggest that this variant is likely to be tolerated. This sequence change replaces alanine, which is neutral and non-polar, with valine, which is neutral and non-polar, at codon 130 of the CDH1 protein (p.Ala130Val). This variant is not present in population databases (gnomAD no frequency). This variant has not been reported in the literature in individuals affected with CDH1-related conditions. ClinVar contains an entry for this variant (Variation ID: 921657).

Color Diagnostics, LLC DBA Color Health
Classification: Uncertain significance for Hereditary cancer-predisposing syndrome. Last evaluated: 2019-07-03. Review status: criteria provided, single submitter. Criteria: ACMG Guidelines, 2015. Collection method: clinical testing. Allele origin: germline.
Comment: This missense variant replaces alanine with valine at codon 130 of the CDH1 protein. Computational prediction tools and conservation analyses suggest that this variant may not impact the protein function. Computational splicing tools suggest that this variant may not impact RNA splicing. To our knowledge, functional assays have not been performed for this variant nor has this variant been reported in individuals affected with hereditary cancer in the literature. This variant has not been identified in the general population by the Genome Aggregation Database (gnomAD). Available evidence is insufficient to determine the role of this variant in disease conclusively. Therefore, this variant is classified as a Variant of Uncertain Significance.